The following is an entry in ClinVar:

ClinVar aggregate classification (germline): Likely pathogenic (1 of 4 stars; one submission).

Conditions:
Glycogen storage disease IV, classic hepatic. Also called: GSD IV, CLASSIC HEPATIC. Identifiers: MedGen C1856301.
Glycogen storage disease, type IV (GSD4). Also called: AMYLOPECTINOSIS; ANDERSEN DISEASE; BRANCHER DEFICIENCY; CIRRHOSIS, FAMILIAL, WITH DEPOSITION OF ABNORMAL GLYCOGEN; GBE1 DEFICIENCY; GLYCOGEN BRANCHING ENZYME DEFICIENCY. Identifiers: Orphanet 367, MedGen C0017923, MONDO:0009292, OMIM 232500.

Submission:

Labcorp Genetics (formerly Invitae), Labcorp
Classification: Likely pathogenic for Glycogen storage disease, type IV; Glycogen storage disease IV, classic hepatic. Last evaluated: 2023-02-14. Review status: criteria provided, single submitter. Criteria: Invitae Variant Classification Sherloc (09022015). Collection method: clinical testing. Allele origin: unknown.
Comment: This variant results in the deletion of part of exon 3 (c.314-6188_425del) of the GBE1 gene. It is expected to disrupt RNA splicing. Variants that disrupt the donor or acceptor splice site typically lead to a loss of protein function (PMID: 16199547), and loss-of-function variants in GBE1 are known to be pathogenic (PMID: 15452297, 20058079). This variant has not been reported in the literature in individuals affected with GBE1-related conditions. In summary, the currently available evidence indicates that the variant is pathogenic, but additional data are needed to prove that conclusively. Therefore, this variant has been classified as Likely Pathogenic.

Literature cited by the submitters: PubMed 16199547; PubMed 15452297; PubMed 20058079.

NC_000003.11:g.(?_81719993)_(81726292_?)del

Gene: GBE1 (1,4-alpha-glucan branching enzyme 1; minus strand). Cytogenetic location: 3p12.2.
Variant type: Deletion.
Identifiers: ClinVar variation 3246833 (VCV003246833.1).